The following is an entry in ClinVar:

ClinVar aggregate classification (germline): Benign/Likely benign. Review status: criteria provided, multiple submitters, no conflicts (2 of 4 stars). 2 submissions from 2 submitters: Benign (1); Likely benign (1). Last evaluated 2025-02-25.

Conditions:
Hereditary cancer-predisposing syndrome. Also called: Neoplastic Syndromes, Hereditary; Tumor predisposition; Hereditary Cancer Syndrome; Hereditary neoplastic syndrome. Identifiers: Orphanet 140162, MedGen C0027672, MeSH D009386, MONDO:0015356.
Breast-ovarian cancer, familial, susceptibility to, 4. Identifiers: Orphanet 145, MedGen C3280345, MONDO:0013669, OMIM 614291.

Submissions (2):

Myriad Genetics, Inc.
Classification: Benign for Breast-ovarian cancer, familial, susceptibility to, 4. Last evaluated: 2025-02-25. Review status: criteria provided, single submitter. Criteria: Myriad Autosomal Dominant, Autosomal Recessive and X-Linked Classification Criteria (2023). Collection method: clinical testing. Allele origin: unknown.
Comment: This variant is considered benign. This variant is a silent/synonymous amino acid change and it is not expected to impact splicing.

Ambry Genetics
Classification: Likely benign for Hereditary cancer-predisposing syndrome. Last evaluated: 2020-03-02. Review status: criteria provided, single submitter. Criteria: Ambry Variant Classification Scheme 2023. Collection method: clinical testing. Allele origin: germline.

NM_002878.4(RAD51D):c.868C>A (p.Arg290=)

Genes: RAD51D (RAD51 paralog D; minus strand), RAD51L3-RFFL (RAD51L3-RFFL readthrough; minus strand). Cytogenetic location: 17q12.
Variant type: single nucleotide variant.
Coding change: c.868C>A on transcript NM_002878.4 (MANE Select); coding-DNA position 868, C replaced by A.
Protein change: p.Arg290=; no amino-acid change (arginine 290 retained).
Molecular consequence: synonymous variant. On other transcripts: non-coding transcript variant (3).
Genome position (GRCh38, 1-based): chr17:35,101,236, G>T on the plus strand (C>A on the coding strand, the complement: RAD51D is on the minus strand). VCF-style: chr17-35101236-G-T. GRCh37 (hg19) VCF-style: chr17-33428255-G-T.
Other names: c.928C>A, p.Arg310= (NM_001142571.2); c.532C>A, p.Arg178= (NM_133629.3).
Identifiers: ClinVar variation 1764307 (VCV001764307.3), dbSNP rs527964137, ClinGen allele CA499728731.